The following is an entry in ClinVar:

ClinVar aggregate classification (germline): Likely benign (1 of 4 stars; one submission).

Conditions:
ITGB4-related disorder. Also called: ITGB4-related condition.

gnomAD v4.1: 28 of 1,611,534 alleles (0.0017%); highest among the groups gnomAD compares: East Asian, 0.054%; no homozygotes.

Submission:

PreventionGenetics, part of Exact Sciences
Classification: Likely benign for ITGB4-related condition. Last evaluated: 2025-10-20. Review status: criteria provided, single submitter. Criteria: ACMG Guidelines, 2015. Collection method: clinical testing. Allele origin: germline.
Comment: This variant is classified as likely benign based on ACMG/AMP sequence variant interpretation guidelines (Richards et al. 2015 PMID: 25741868, with internal and published modifications).

NM_000213.5(ITGB4):c.4558+342G>A

Genes: GALK1 (galactokinase 1; minus strand), ITGB4 (integrin subunit beta 4; plus strand). Cytogenetic location: 17q25.1.
Variant type: single nucleotide variant.
Coding change: c.4558+342G>A on transcript NM_000213.5 (MANE Select); 342 bases into the intron after coding-DNA position 4558, G replaced by A.
Molecular consequence: intron variant. On other transcripts: missense variant (1).
Genome position (GRCh38, 1-based): chr17:75,755,157, G>A. VCF-style: chr17-75755157-G-A. GRCh37 (hg19) VCF-style: chr17-73751238-G-A.
Other names: c.4451G>A, p.Gly1484Asp (NM_001005619.2); c.4348+342G>A (NM_001005731.3, NM_001438834.1, NM_001321123.2); c.*22+2877C>T (NM_001381985.1); short protein forms G1484D.
Identifiers: ClinVar variation 4990196 (VCV004990196.1).
Genomic context (GRCh38, chr17:75,755,157, plus strand): 5'-TGTCCTGGGCCCTGGGGTCCCGGAGTCGGGCTCAGATGAAAGGGTTCCCCCCTTCCAGGG[G>A]CCCACGAGACTCTATAATCCTGGCTGGGAGGCCAGCAGCGCCCTCCTGGGGCCCAGGTAG-3'